The following is an entry in ClinVar:

NM_031418.4(ANO3):c.1539T>G (p.Leu513=)

Gene: ANO3 (anoctamin 3; plus strand). Cytogenetic location: 11p14.2.
Variant type: single nucleotide variant.
Coding change: c.1539T>G on transcript NM_031418.4 (MANE Select); coding-DNA position 1539, T replaced by G.
Protein change: p.Leu513=; no amino-acid change (leucine 513 retained).
Molecular consequence: synonymous variant.
Genome position (GRCh38, 1-based): chr11:26,598,866, T>G. VCF-style: chr11-26598866-T-G. GRCh37 (hg19) VCF-style: chr11-26620413-T-G.
Other names: c.1539T>G (NM_031418.3); c.1722T>G, p.Leu574= (NM_001313726.2); c.1101T>G, p.Leu367= (NM_001313727.2).
Identifiers: ClinVar variation 2997748 (VCV002997748.5), dbSNP rs767978030, ClinGen allele CA5926278.
Genomic context (GRCh38, chr11:26,598,866, plus strand): 5'-GTTTTTTTAGTTTATGGCTTTGATATTTAGATAACTTTCGTTTCTCTCATAGGAAACACT[T>G]CGTCCCCAGTTTGAAGCCAAGTATTACAAGATGGAGATTGTAAATCCCATCACGGGAAAA-3'
Protein context (NP_113606.2, residues 503-523): LIEWEEEEET[Leu513=]RPQFEAKYYK

ClinVar aggregate classification (germline): Likely benign. Review status: criteria provided, single submitter (1 of 4 stars). 2 submissions from 2 submitters: Likely benign (1). 1 of the submissions does not count toward it. Last evaluated 2023-10-03.

Conditions:
Dystonic disorder. Also called: Dystonia. Identifiers: MedGen C0013421, MONDO:0003441, HP:0001332.
ANO3-related disorder. Also called: ANO3-related condition.

Allele frequency attached by ClinVar (database versions not stated): gnomAD 0.00001; gnomAD exomes 0.00002; ExAC 0.00003; TOPMed 0.00004.
gnomAD v4.1: 31 of 1,612,936 alleles (0.0019%); highest among the groups gnomAD compares: Non-Finnish European, 0.0024%; no homozygotes.

Submissions (2):

Labcorp Genetics (formerly Invitae), Labcorp
Classification: Likely benign for Dystonic disorder. Last evaluated: 2023-10-03. Review status: criteria provided, single submitter. Criteria: Invitae Variant Classification Sherloc (09022015). Collection method: clinical testing. Allele origin: germline.

PreventionGenetics, part of Exact Sciences
Classification: Likely benign for ANO3-related condition. Last evaluated: 2019-07-24. Review status: no assertion criteria provided. Collection method: clinical testing. Allele origin: germline. Not counted in ClinVar's aggregate classification.
Comment: This variant is classified as likely benign based on ACMG/AMP sequence variant interpretation guidelines (Richards et al. 2015 PMID: 25741868, with internal and published modifications).